The following is an entry in ClinVar:

NM_000760.4(CSF3R):c.217G>A (p.Gly73Ser)

Gene: CSF3R (colony stimulating factor 3 receptor; minus strand). Cytogenetic location: 1p34.3.
Variant type: single nucleotide variant.
Coding change: c.217G>A on transcript NM_000760.4 (MANE Select); coding-DNA position 217, G replaced by A.
Protein change: p.Gly73Ser; replaces glycine 73 with serine.
Molecular consequence: missense variant.
Genome position (GRCh38, 1-based): chr1:36,475,521, C>T on the plus strand (G>A on the coding strand, the complement: CSF3R is on the minus strand). VCF-style: chr1-36475521-C-T. GRCh37 (hg19) VCF-style: chr1-36941122-C-T.
Other names: c.217G>A, p.Gly73Ser (NM_156039.3, NM_172313.3); short protein forms G73S.
Identifiers: ClinVar variation 2710091 (VCV002710091.9), dbSNP rs532250805, ClinGen allele CA769536.

ClinVar aggregate classification (germline): Uncertain significance. Review status: criteria provided, multiple submitters, no conflicts (2 of 4 stars). 2 submissions from 2 submitters: Uncertain significance (2). Last evaluated 2025-11-01.

Conditions:
Autosomal recessive severe congenital neutropenia due to CSF3R deficiency. Also called: Neutropenia, severe congenital, 7, autosomal recessive. Identifiers: Orphanet 420702, MedGen C4310764, MONDO:0014865, OMIM 617014.

Allele frequency attached by ClinVar (database versions not stated): TOPMed 0.00002.
gnomAD v4.1: 57 of 1,613,846 alleles (0.0035%); highest among the groups gnomAD compares: South Asian, 0.056%; no homozygotes.

Submissions (2):

CeGaT Center for Human Genetics Tuebingen
Classification: Uncertain significance. Last evaluated: 2025-11-01. Review status: criteria provided, single submitter. Criteria: CeGaT Center For Human Genetics Tuebingen Variant Classification Criteria Version 2. Collection method: clinical testing. Allele origin: germline. Affected: yes. Observed: 1 variant allele.
Comment: CSF3R: PM2, BP4

Labcorp Genetics (formerly Invitae), Labcorp
Classification: Uncertain significance for Autosomal recessive severe congenital neutropenia due to CSF3R deficiency. Last evaluated: 2025-09-03. Review status: criteria provided, single submitter. Criteria: Invitae Variant Classification Sherloc (09022015). Collection method: clinical testing. Allele origin: germline.
Comment: This sequence change replaces glycine, which is neutral and non-polar, with serine, which is neutral and polar, at codon 73 of the CSF3R protein (p.Gly73Ser). This variant is present in population databases (rs532250805, gnomAD 0.05%). This variant has not been reported in the literature in individuals affected with CSF3R-related conditions. ClinVar contains an entry for this variant (Variation ID: 2710091). Invitae Evidence Modeling of protein sequence and biophysical properties (such as structural, functional, and spatial information, amino acid conservation, physicochemical variation, residue mobility, and thermodynamic stability) indicates that this missense variant is not expected to disrupt CSF3R protein function with a negative predictive value of 80%. In summary, the available evidence is currently insufficient to determine the role of this variant in disease. Therefore, it has been classified as a Variant of Uncertain Significance.